The following is an entry in ClinVar:

NM_012414.4(RAB3GAP2):c.3616G>T (p.Asp1206Tyr)

Gene: RAB3GAP2 (RAB3 GTPase activating non-catalytic protein subunit 2; minus strand). Cytogenetic location: 1q41.
Variant type: single nucleotide variant.
Coding change: c.3616G>T on transcript NM_012414.4 (MANE Select); coding-DNA position 3616, G replaced by T.
Protein change: p.Asp1206Tyr; replaces aspartic acid 1206 with tyrosine.
Molecular consequence: missense variant.
Genome position (GRCh38, 1-based): chr1:220,153,997, C>A on the plus strand (G>T on the coding strand, the complement: RAB3GAP2 is on the minus strand). VCF-style: chr1-220153997-C-A. GRCh37 (hg19) VCF-style: chr1-220327339-C-A.
Other names: short protein forms D1206Y.
Identifiers: ClinVar variation 705733 (VCV000705733.10), dbSNP rs139407102, ClinGen allele CA1402084.

ClinVar aggregate classification (germline): Conflicting classifications of pathogenicity. Review status: criteria provided, conflicting classifications (1 of 4 stars). 3 submissions from 3 submitters: Uncertain significance (1); Likely benign (1). 1 of the submissions does not count toward it. Last evaluated 2025-11-03.

Conditions:
Martsolf syndrome (MARTS). Also called: Congenital cataract with intellectual disability and hypogonadotropic hypogonadism syndrome. Identifiers: Orphanet 1387, MedGen C0796037, MONDO:0023910.
Warburg micro syndrome 2 (WARBM2). Also called: MICRO SYNDROME 2. Identifiers: Orphanet 2510, MedGen C3280214, MONDO:0013641, OMIM 614225.
Amenorrhea. Identifiers: MedGen C0002453, MONDO:0001836, HP:0000141.

Allele frequency attached by ClinVar (database versions not stated): gnomAD exomes 0.00012 and 0.00027; ESP Exome Variant Server 0.00015; gnomAD 0.00016 and 0.00017; TOPMed 0.00019; ExAC 0.00020.
gnomAD v4.1: 222 of 1,613,400 alleles (0.014%); highest among the groups gnomAD compares: Non-Finnish European, 0.0025%; 1 homozygote.

Submissions (3):

Labcorp Genetics (formerly Invitae), Labcorp
Classification: Likely benign for Martsolf syndrome; Warburg micro syndrome 2. Last evaluated: 2025-11-03. Review status: criteria provided, single submitter. Criteria: Invitae Variant Classification Sherloc (09022015). Collection method: clinical testing. Allele origin: germline.

GeneDx
Classification: Uncertain significance. Last evaluated: 2022-03-25. Review status: criteria provided, single submitter. Criteria: GeneDx Variant Classification Process June 2021. Collection method: clinical testing. Allele origin: germline. Affected: yes.
Comment: This variant is associated with the following publications: (PMID: 32870266)

Yale Center for Mendelian Genomics, Yale University
Classification: Uncertain significance for Amenorrhea. Last evaluated: 2021-03-08. Review status: no assertion criteria provided. Collection method: literature only. Allele origin: unknown. Affected: yes. Observed: 1 heterozygote. Study: Yale Center for Mendelian Genomics. Not counted in ClinVar's aggregate classification.

Literature cited by the submitters: PubMed 32870266 (cited by Yale Center for Mendelian Genomics, Yale University).